The following is an entry in ClinVar:

NM_017875.4(SLC25A38):c.289T>C (p.Cys97Arg)

Gene: SLC25A38 (solute carrier family 25 member 38; plus strand). Cytogenetic location: 3p22.1.
Variant type: single nucleotide variant.
Coding change: c.289T>C on transcript NM_017875.4 (MANE Select); coding-DNA position 289, T replaced by C.
Protein change: p.Cys97Arg; replaces cysteine 97 with arginine.
Molecular consequence: missense variant.
Genome position (GRCh38, 1-based): chr3:39,391,453, T>C. VCF-style: chr3-39391453-T-C. GRCh37 (hg19) VCF-style: chr3-39432944-T-C.
Other names: c.289T>C, p.Cys97Arg (NM_001354798.2); short protein forms C97R.
Identifiers: ClinVar variation 2891969 (VCV002891969.3), dbSNP rs1434809498, ClinGen allele CA352200266.

ClinVar aggregate classification (germline): Uncertain significance (1 of 4 stars; one submission).

Allele frequency attached by ClinVar (database versions not stated): gnomAD 0.00001.
gnomAD v4.1: 12 of 1,613,560 alleles (0.00074%); highest among the groups gnomAD compares: East Asian, 0.0067%; no homozygotes.

Submission:

Labcorp Genetics (formerly Invitae), Labcorp
Classification: Uncertain significance. Last evaluated: 2025-02-10. Review status: criteria provided, single submitter. Criteria: Invitae Variant Classification Sherloc (09022015). Collection method: clinical testing. Allele origin: germline.
Comment: This sequence change replaces cysteine, which is neutral and slightly polar, with arginine, which is basic and polar, at codon 97 of the SLC25A38 protein (p.Cys97Arg). This variant is not present in population databases (gnomAD no frequency). This variant has not been reported in the literature in individuals affected with SLC25A38-related conditions. ClinVar contains an entry for this variant (Variation ID: 2891969). Invitae Evidence Modeling of protein sequence and biophysical properties (such as structural, functional, and spatial information, amino acid conservation, physicochemical variation, residue mobility, and thermodynamic stability) indicates that this missense variant is expected to disrupt SLC25A38 protein function with a positive predictive value of 80%. In summary, the available evidence is currently insufficient to determine the role of this variant in disease. Therefore, it has been classified as a Variant of Uncertain Significance.